The following is an entry in ClinVar:

ClinVar aggregate classification (germline): Pathogenic/Likely pathogenic. Review status: criteria provided, multiple submitters, no conflicts (2 of 4 stars). 2 submissions from 2 submitters: Pathogenic (1); Likely pathogenic (1). Last evaluated 2024-10-10.

Conditions:
Charcot-Marie-Tooth disease X-linked dominant 1. Also called: CHARCOT-MARIE-TOOTH NEUROPATHY, X-LINKED, 1; CHARCOT-MARIE-TOOTH PERONEAL MUSCULAR ATROPHY, X-LINKED; HEREDITARY MOTOR AND SENSORY NEUROPATHY, X-LINKED; HMSN, X-LINKED; Charcot-Marie-Tooth Neuropathy X Type 1; X-linked Charcot-Marie-Tooth disease type 1. Identifiers: Orphanet 101075, MedGen C0393808, MONDO:0010549, OMIM 302800.
GJB1-related disorder. Also called: GJB1-related condition; GJB1-related disorders.

Submissions (2):

3billion
Classification: Likely pathogenic for Charcot-Marie-Tooth disease X-linked dominant 1. Last evaluated: 2024-10-10. Review status: criteria provided, single submitter. Criteria: ACMG Guidelines, 2015. Collection method: clinical testing. Allele origin: germline. Affected: yes.
Comment: The variant is not observed in the gnomAD v4.1.0 dataset. Predicted Consequence/Location: Stop-gained (nonsense): predicted to result in a loss or disruption of normal protein function through protein truncation. Multiple pathogenic variants are reported in the predicted truncated region. Therefore, this variant is classified as Likely pathogenic according to the recommendation of ACMG/AMP guideline.

Blueprint Genetics
Classification: Pathogenic for GJB1-related disorders. Last evaluated: 2024-06-25. Review status: criteria provided, single submitter. Criteria: ACMG Guidelines, 2015. Collection method: clinical testing. Allele origin: germline. Affected: yes. Observed: 1 variant allele.

NM_000166.6(GJB1):c.230G>A (p.Trp77Ter)

Gene: GJB1 (gap junction protein beta 1; plus strand). Cytogenetic location: Xq13.1.
Variant type: single nucleotide variant.
Coding change: c.230G>A on transcript NM_000166.6 (MANE Select); coding-DNA position 230, G replaced by A.
Protein change: p.Trp77Ter; replaces tryptophan 77 with a stop codon.
Molecular consequence: nonsense.
Genome position (GRCh38, 1-based): chrX:71,223,937, G>A. VCF-style: chrX-71223937-G-A. GRCh37 (hg19) VCF-style: chrX-70443787-G-A.
Other names: c.230G>A, p.Trp77Ter (NM_001097642.3, NM_001440770.1); short protein forms W77*.
Identifiers: ClinVar variation 4293335 (VCV004293335.2).